The following is an entry in ClinVar:

ClinVar aggregate classification (germline): Uncertain significance (1 of 4 stars; one submission).

Conditions:
Fanconi anemia (FA). Also called: Fanconi's anemia. Identifiers: Orphanet 84, MedGen C0015625, MeSH D005199, MONDO:0019391.

Submission:

Labcorp Genetics (formerly Invitae), Labcorp
Classification: Uncertain significance for Fanconi anemia. Last evaluated: 2023-02-22. Review status: criteria provided, single submitter. Criteria: Invitae Variant Classification Sherloc (09022015). Collection method: clinical testing. Allele origin: germline.
Comment: In summary, the available evidence is currently insufficient to determine the role of this variant in disease. Therefore, it has been classified as a Variant of Uncertain Significance. Algorithms developed to predict the effect of missense changes on protein structure and function output the following: SIFT: "Not Available"; PolyPhen-2: "Benign"; Align-GVGD: "Not Available". The valine amino acid residue is found in multiple mammalian species, which suggests that this missense change does not adversely affect protein function. This variant has not been reported in the literature in individuals affected with SLX4-related conditions. This variant is not present in population databases (gnomAD no frequency). This sequence change replaces methionine, which is neutral and non-polar, with valine, which is neutral and non-polar, at codon 1168 of the SLX4 protein (p.Met1168Val).

NM_032444.4(SLX4):c.3502A>G (p.Met1168Val)

Gene: SLX4 (SLX4 structure-specific endonuclease subunit; minus strand). Cytogenetic location: 16p13.3.
Variant type: single nucleotide variant.
Coding change: c.3502A>G on transcript NM_032444.4 (MANE Select); coding-DNA position 3502, A replaced by G.
Protein change: p.Met1168Val; replaces methionine 1168 with valine.
Molecular consequence: missense variant.
Genome position (GRCh38, 1-based): chr16:3,590,136, T>C on the plus strand (A>G on the coding strand, the complement: SLX4 is on the minus strand). VCF-style: chr16-3590136-T-C. GRCh37 (hg19) VCF-style: chr16-3640137-T-C.
Other names: short protein forms M1168V.
Identifiers: ClinVar variation 2839801 (VCV002839801.3), dbSNP rs2548212676, ClinGen allele CA394519998.